The following is an entry in ClinVar:

NM_007294.4(BRCA1):c.553G>A (p.Asp185Asn)

Gene: BRCA1 (BRCA1 DNA repair associated; minus strand). Cytogenetic location: 17q21.31.
Variant type: single nucleotide variant.
Coding change: c.553G>A on transcript NM_007294.4 (MANE Select); coding-DNA position 553, G replaced by A.
Protein change: p.Asp185Asn; replaces aspartic acid 185 with asparagine.
Molecular consequence: missense variant. On other transcripts: non-coding transcript variant (1).
Genome position (GRCh38, 1-based): chr17:43,097,284, C>T on the plus strand (G>A on the coding strand, the complement: BRCA1 is on the minus strand). VCF-style: chr17-43097284-C-T. GRCh37 (hg19) VCF-style: chr17-41249301-C-T.
Other names: c.553G>A, p.Asp185Asn (NM_007298.4, NM_007299.4, NM_007300.4 and 59 more transcripts); c.340G>A, p.Asp114Asn (NM_001407571.1, NM_001407853.1, NM_001407894.1 and 12 more transcripts); c.550G>A, p.Asp184Asn (NM_001407587.1, NM_001407590.1, NM_001407591.1 and 41 more transcripts); c.544G>A, p.Asp182Asn (NM_001407646.1, NM_001407647.1, NM_001408408.1); c.475G>A, p.Asp159Asn (NM_001407653.1, NM_001407654.1, NM_001407655.1 and 9 more transcripts); c.472G>A, p.Asp158Asn (NM_001407659.1, NM_001407660.1, NM_001407661.1 and 3 more transcripts); c.412G>A, p.Asp138Asn (NM_001407692.1, NM_001407694.1, NM_001407695.1 and 43 more transcripts); c.409G>A, p.Asp137Asn (NM_001407740.1, NM_001407741.1, NM_001407742.1 and 26 more transcripts); and 4 more; short protein forms D114N, D115N, D137N, D138N, D140N, D158N, D159N, D182N.
Identifiers: ClinVar variation 1721597 (VCV001721597.7), dbSNP rs2154521647, ClinGen allele CA10601022.

ClinVar aggregate classification (germline): Uncertain significance. Review status: criteria provided, multiple submitters, no conflicts (2 of 4 stars). 2 submissions from 2 submitters: Uncertain significance (2). Last evaluated 2023-07-10.

Conditions:
Hereditary breast ovarian cancer syndrome. Also called: Hereditary breast and ovarian cancer syndrome; Hereditary breast and ovarian cancer; Hereditary breast and ovarian cancer syndrome (HBOC); Breast and ovarian cancer; Hereditary breast and/or ovarian cancer syndrome; BRCA1- and BRCA2-Associated Hereditary Breast and Ovarian Cancer. Identifiers: Orphanet 145, MedGen C0677776, MeSH D061325, MONDO:0003582. Disease mechanism: loss of function.
Breast-ovarian cancer, familial, susceptibility to, 1 (BROVCA1). Also called: OVARIAN CANCER, SUSCEPTIBILITY TO; BRCA1 Hereditary Breast and Ovarian Cancer. Identifiers: Orphanet 145, MedGen C2676676, MONDO:0011450, OMIM 604370. Disease mechanism: loss of function.

Submissions (2):

Baylor Genetics
Classification: Uncertain significance for Breast-ovarian cancer, familial, susceptibility to, 1. Last evaluated: 2023-07-10. Review status: criteria provided, single submitter. Criteria: ACMG Guidelines, 2015. Collection method: clinical testing. Allele origin: unknown.

Labcorp Genetics (formerly Invitae), Labcorp
Classification: Uncertain significance for Hereditary breast ovarian cancer syndrome. Last evaluated: 2022-12-19. Review status: criteria provided, single submitter. Criteria: Invitae Variant Classification Sherloc (09022015). Collection method: clinical testing. Allele origin: germline.
Comment: In summary, the available evidence is currently insufficient to determine the role of this variant in disease. Therefore, it has been classified as a Variant of Uncertain Significance. Advanced modeling of protein sequence and biophysical properties (such as structural, functional, and spatial information, amino acid conservation, physicochemical variation, residue mobility, and thermodynamic stability) has been performed at Invitae for this missense variant, however the output from this modeling did not meet the statistical confidence thresholds required to predict the impact of this variant on BRCA1 protein function. ClinVar contains an entry for this variant (Variation ID: 1721597). This variant has not been reported in the literature in individuals affected with BRCA1-related conditions. This variant is not present in population databases (gnomAD no frequency). This sequence change replaces aspartic acid, which is acidic and polar, with asparagine, which is neutral and polar, at codon 185 of the BRCA1 protein (p.Asp185Asn).